The following is an entry in ClinVar:

NM_001395413.1(POR):c.1184A>C (p.Glu395Ala)

Gene: POR (cytochrome p450 oxidoreductase; plus strand). Cytogenetic location: 7q11.23.
Variant type: single nucleotide variant.
Coding change: c.1184A>C on transcript NM_001395413.1 (MANE Select); coding-DNA position 1184, A replaced by C.
Protein change: p.Glu395Ala; replaces glutamic acid 395 with alanine.
Molecular consequence: missense variant.
Genome position (GRCh38, 1-based): chr7:75,984,903, A>C. VCF-style: chr7-75984903-A-C. GRCh37 (hg19) VCF-style: chr7-75614221-A-C.
Other names: c.1193A>C, p.Glu398Ala (NM_000941.2, NM_000941.3); c.1184A>C, p.Glu395Ala (NM_001367562.3, NM_001382657.2, NM_001382658.3 and 2 more transcripts); c.1238A>C, p.Glu413Ala (NM_001382655.3); short protein forms E395A, E398A, E413A.
Identifiers: ClinVar variation 3064896 (VCV003064896.3), dbSNP rs2535401580, ClinGen allele CA367749432.
Genomic context (GRCh38, chr7:75,984,903, plus strand): 5'-TGGACATCACCAACCCGCCGCGTACCAACGTGCTGTACGAGCTGGCGCAGTACGCCTCGG[A>C]GCCCTCGGAGCAGGAGCTGCTGCGCAAGATGGCCTCCTCCTCCGGCGAGGGCAAGGTGCG-3'
Protein context (NP_001382342.1, residues 385-405): VLYELAQYAS[Glu395Ala]PSEQELLRKM

ClinVar aggregate classification (germline): Conflicting classifications of pathogenicity. Review status: criteria provided, conflicting classifications (1 of 4 stars). 2 submissions from 2 submitters: Uncertain significance (1); Likely benign (1). Last evaluated 2024-04-29.

Conditions:
Congenital adrenal hyperplasia due to cytochrome P450 oxidoreductase deficiency. Also called: DISORDERED STEROIDOGENESIS DUE TO POR DEFICIENCY. Identifiers: Orphanet 95699, MedGen C1860042, MONDO:0013310, OMIM 613571.

gnomAD v4.1: 1 of 1,611,004 alleles (0.000062%); no homozygotes.

Submissions (2):

Labcorp Genetics (formerly Invitae), Labcorp
Classification: Uncertain significance for Congenital adrenal hyperplasia due to cytochrome P450 oxidoreductase deficiency. Last evaluated: 2024-04-29. Review status: criteria provided, single submitter. Criteria: Invitae Variant Classification Sherloc (09022015). Collection method: clinical testing. Allele origin: germline.
Comment: This sequence change replaces glutamic acid, which is acidic and polar, with alanine, which is neutral and non-polar, at codon 398 of the POR protein (p.Glu398Ala). This variant is not present in population databases (gnomAD no frequency). This variant has not been reported in the literature in individuals affected with POR-related conditions. Advanced modeling of protein sequence and biophysical properties (such as structural, functional, and spatial information, amino acid conservation, physicochemical variation, residue mobility, and thermodynamic stability) performed at Invitae indicates that this missense variant is not expected to disrupt POR protein function with a negative predictive value of 80%. In summary, the available evidence is currently insufficient to determine the role of this variant in disease. Therefore, it has been classified as a Variant of Uncertain Significance.

Genomic Medicine Center of Excellence, King Faisal Specialist Hospital and Research Centre
Classification: Likely benign for Congenital adrenal hyperplasia due to cytochrome P450 oxidoreductase deficiency. Last evaluated: 2024-03-25. Review status: criteria provided, single submitter. Criteria: ACMG Guidelines, 2015. Collection method: clinical testing. Allele origin: germline.